The following is an entry in ClinVar:

NM_130468.4(CHST14):c.1118C>T (p.Ala373Val)

Gene: CHST14 (carbohydrate sulfotransferase 14; plus strand). Cytogenetic location: 15q15.1.
Variant type: single nucleotide variant.
Coding change: c.1118C>T on transcript NM_130468.4 (MANE Select); coding-DNA position 1118, C replaced by T.
Protein change: p.Ala373Val; replaces alanine 373 with valine.
Molecular consequence: missense variant.
Genome position (GRCh38, 1-based): chr15:40,472,331, C>T. VCF-style: chr15-40472331-C-T. GRCh37 (hg19) VCF-style: chr15-40764530-C-T.
Other names: short protein forms A373V.
Identifiers: ClinVar variation 1310688 (VCV001310688.4), dbSNP rs756985970, ClinGen allele CA7481700.

ClinVar aggregate classification (germline): Uncertain significance. Review status: criteria provided, multiple submitters, no conflicts (2 of 4 stars). 2 submissions from 2 submitters: Uncertain significance (2). Last evaluated 2023-05-27.

Conditions:
Cardiovascular phenotype. Identifiers: MedGen CN230736.

Allele frequency attached by ClinVar (database versions not stated): gnomAD exomes 0.00001 and 0.00004; ExAC 0.00003; TOPMed 0.00004; gnomAD 0.00006.
gnomAD v4.1: 23 of 1,596,130 alleles (0.0014%); highest among the groups gnomAD compares: East Asian, 0.02%; no homozygotes.

Submissions (2):

Ambry Genetics
Classification: Uncertain significance for Cardiovascular phenotype. Last evaluated: 2023-05-27. Review status: criteria provided, single submitter. Criteria: Ambry Variant Classification Scheme 2023. Collection method: clinical testing. Allele origin: germline.
Comment: The p.A373V variant (also known as c.1118C>T), located in coding exon 1 of the CHST14 gene, results from a C to T substitution at nucleotide position 1118. The alanine at codon 373 is replaced by valine, an amino acid with similar properties. This amino acid position is conserved. In addition, this alteration is predicted to be tolerated by in silico analysis. Since supporting evidence is limited at this time, the clinical significance of this alteration remains unclear.

GeneDx
Classification: Uncertain significance. Last evaluated: 2019-12-04. Review status: criteria provided, single submitter. Criteria: GeneDx Variant Classification Process June 2021. Collection method: clinical testing. Allele origin: germline. Affected: yes.
Comment: In silico analysis, which includes protein predictors and evolutionary conservation, supports that this variant does not alter protein structure/function; Has not been previously published as pathogenic or benign to our knowledge